The following is an entry in ClinVar:

ClinVar aggregate classification (germline): Uncertain significance. Review status: criteria provided, multiple submitters, no conflicts (2 of 4 stars). 2 submissions from 2 submitters: Uncertain significance (2). Last evaluated 2021-08-27.

Conditions:
Zellweger spectrum disorders (ZS). Also called: Zellweger Spectrum Disorder (ZSD); Zellweger Spectrum Disorder; Zellweger Spectrum; Zellweger syndrome. Identifiers: Orphanet 912, MedGen C0043459, MONDO:0019609.

Submissions (2):

Labcorp Genetics (formerly Invitae), Labcorp
Classification: Uncertain significance for Zellweger spectrum disorders. Last evaluated: 2021-08-27. Review status: criteria provided, single submitter. Criteria: Invitae Variant Classification Sherloc (09022015). Collection method: clinical testing. Allele origin: germline.
Comment: This sequence change replaces lysine with arginine at codon 216 of the PEX1 protein (p.Lys216Arg). The lysine residue is weakly conserved and there is a small physicochemical difference between lysine and arginine. This variant is not present in population databases (ExAC no frequency). This variant has not been reported in the literature in individuals affected with PEX1-related conditions. Algorithms developed to predict the effect of missense changes on protein structure and function output the following: SIFT: "Tolerated"; PolyPhen-2: "Benign"; Align-GVGD: "Class C0". The arginine amino acid residue is found in multiple mammalian species, which suggests that this missense change does not adversely affect protein function. In summary, the available evidence is currently insufficient to determine the role of this variant in disease. Therefore, it has been classified as a Variant of Uncertain Significance.

Blueprint Genetics
Classification: Uncertain significance. Last evaluated: 2019-09-04. Review status: criteria provided, single submitter. Criteria: ACMG Guidelines, 2015. Collection method: clinical testing. Allele origin: germline.

NM_000466.3(PEX1):c.647A>G (p.Lys216Arg)

Gene: PEX1 (peroxisomal biogenesis factor 1; minus strand). Cytogenetic location: 7q21.2.
Variant type: single nucleotide variant.
Coding change: c.647A>G on transcript NM_000466.3 (MANE Select); coding-DNA position 647, A replaced by G.
Protein change: p.Lys216Arg; replaces lysine 216 with arginine.
Molecular consequence: missense variant.
Genome position (GRCh38, 1-based): chr7:92,517,868, T>C on the plus strand (A>G on the coding strand, the complement: PEX1 is on the minus strand). VCF-style: chr7-92517868-T-C. GRCh37 (hg19) VCF-style: chr7-92147182-T-C.
Other names: c.647A>G, p.Lys216Arg (NM_001282677.2); c.23A>G, p.Lys8Arg (NM_001282678.2); short protein forms K216R, K8R.
Identifiers: ClinVar variation 838437 (VCV000838437.8), dbSNP rs1792871862, ClinGen allele CA368200711.
Genomic context (GRCh38, chr7:92,517,868, plus strand): 5'-GGAATCTCTGACTCGTTTTCATTAGATTCAGTGATTCCCACAGTATTTGACTGAAGTTGC[T>C]TGGTTTGAAGTTCTTTCATCATTCCTTTCTGGTCTCTTCCATAACTATGAAGTTTTTTAT-3'
Protein context (NP_000457.1, residues 206-226): QKGMMKELQT[Lys216Arg]QLQSNTVGIT